The following is an entry in ClinVar:

ClinVar aggregate classification (germline): Benign/Likely benign. Review status: criteria provided, multiple submitters, no conflicts (2 of 4 stars). 9 submissions from 9 submitters: Benign (6); Likely benign (2). 1 of the submissions does not count toward it. Last evaluated 2026-09-01.

Conditions:
POLR3A-related disorder. Also called: POLR3A-related disorders; POLR3A-related condition. Identifiers: MedGen CN378587, MONDO:0700276.
Leukodystrophy, hypomyelinating, 7, with or without oligodontia and/or hypogonadotropic hypogonadism (HLD7). Also called: LEUKODYSTROPHY, HYPOMYELINATING, 7, WITH OLIGODONTIA; LEUKODYSTROPHY, HYPOMYELINATING, 7, WITH OLIGODONTIA AND HYPOGONADOTROPIC HYPOGONADISM; LEUKODYSTROPHY, HYPOMYELINATING, 7, WITHOUT OLIGODONTIA OR HYPOGONADOTROPIC HYPOGONADISM; LEUKOENCEPHALOPATHY, HYPOMYELINATING, WITH ATAXIA AND DELAYED DENTITION; ATAXIA, DELAYED DENTITION, AND HYPOMYELINATION; Ataxia, Delayed Dentition and Hypomyelination (ADDH). Identifiers: Orphanet 137639, Orphanet 447893, Orphanet 447896, Orphanet 77295, Orphanet 88637, MedGen CN034185, MONDO:0011897, OMIM 607694.
Neonatal pseudo-hydrocephalic progeroid syndrome. Also called: Wiedemann-Rautenstrauch syndrome. Identifiers: Orphanet 3455, MedGen C0406586, MONDO:0009910, OMIM 264090.

Allele frequency attached by ClinVar (database versions not stated): 1000 Genomes Project 0.00240; 1000 Genomes Project 30x 0.00250; gnomAD 0.00565 and 0.00599; TOPMed 0.00578; gnomAD exomes 0.00620 and 0.00880; ExAC 0.00636; ESP Exome Variant Server 0.00753.
gnomAD v4.1: 13,470 of 1,593,422 alleles (0.85%); highest among the groups gnomAD compares: Non-Finnish European, 1%; 103 homozygotes.

Submissions (28):

CeGaT Center for Human Genetics Tuebingen
Classification: Benign. Last evaluated: 2026-09-01. Review status: criteria provided, single submitter. Criteria: CeGaT Center For Human Genetics Tuebingen Variant Classification Criteria Version 2. Collection method: clinical testing. Allele origin: germline. Affected: yes. Observed: 48 variant alleles.
Comment: POLR3A: BS1, BS2

Labcorp Genetics (formerly Invitae), Labcorp
Classification: Benign. Last evaluated: 2026-01-24. Review status: criteria provided, single submitter. Criteria: Invitae Variant Classification Sherloc (09022015). Collection method: clinical testing. Allele origin: germline.

Mayo Clinic Laboratories, Mayo Clinic
Classification: Benign. Last evaluated: 2023-01-04. Review status: criteria provided, single submitter. Criteria: ACMG Guidelines, 2015. Collection method: clinical testing. Allele origin: germline. Observed: 9 variant alleles.
Comment: BS1, BS2, BP4

Fulgent Genetics
Classification: Likely benign for Neonatal pseudo-hydrocephalic progeroid syndrome; Leukodystrophy, hypomyelinating, 7, with or without oligodontia and/or hypogonadotropic hypogonadism. Last evaluated: 2022-04-27. Review status: criteria provided, single submitter. Criteria: ACMG Guidelines, 2015. Collection method: clinical testing. Allele origin: unknown.

GeneDx
Classification: Benign. Last evaluated: 2021-06-09. Review status: criteria provided, single submitter. Criteria: GeneDx Variant Classification Process June 2021. Collection method: clinical testing. Allele origin: germline. Affected: yes.

Genetic Services Laboratory, University of Chicago
Classification: Benign. Last evaluated: 2019-11-15. Review status: criteria provided, single submitter. Criteria: ACMG Guidelines, 2015. Collection method: clinical testing. Allele origin: germline. Affected: no.

Illumina Laboratory Services, Illumina
Classification: Benign for Leukodystrophy, hypomyelinating, 7, with or without oligodontia and/or hypogonadotropic hypogonadism. Last evaluated: 2018-01-13. Review status: criteria provided, single submitter. Criteria: ICSL Variant Classification Criteria 13 December 2019. Collection method: clinical testing. Allele origin: germline.
Comment: This variant was observed in the ICSL laboratory as part of a predisposition screen in an ostensibly healthy population. It had not been previously curated by ICSL or reported in the Human Gene Mutation Database (HGMD: prior to June 1st, 2018), and was therefore a candidate for classification through an automated scoring system. Utilizing variant allele frequency, disease prevalence and penetrance estimates, and inheritance mode, an automated score was calculated to assess if this variant is too frequent to cause the disease. Based on the score and internal cut-off values, a variant classified as benign is not then subjected to further curation. The score for this variant resulted in a classification of benign for this disease.

Center for Pediatric Genomic Medicine, Children's Mercy Hospital and Clinics
Classification: Likely benign. Last evaluated: 2016-06-27. Review status: criteria provided, single submitter. Criteria: ACMG Guidelines, 2015. Collection method: clinical testing. Allele origin: germline.
ClinVar note: Converted during submission from Likely Benign to Likely benign.

PreventionGenetics, part of Exact Sciences
Classification: Likely benign for POLR3A-related condition. Last evaluated: 2019-04-17. Review status: no assertion criteria provided. Collection method: clinical testing. Allele origin: germline. Not counted in ClinVar's aggregate classification.
Comment: This variant is classified as likely benign based on ACMG/AMP sequence variant interpretation guidelines (Richards et al. 2015 PMID: 25741868, with internal and published modifications).

Dr. Peter K. Rogan Lab, Western University
No classification provided (evidence only). Condition: Clear cell carcinoma of kidney. Review status: no classification provided. Collection method: in vitro. Allele origin: not applicable. Functional consequence: retained intron. Not counted in ClinVar's aggregate classification.

Dr. Peter K. Rogan Lab, Western University
No classification provided (evidence only). Condition: Lung cancer. Review status: no classification provided. Collection method: in vitro. Allele origin: not applicable. Functional consequence: retained intron. Not counted in ClinVar's aggregate classification.

Dr. Peter K. Rogan Lab, Western University
No classification provided (evidence only). Condition: Lung cancer. Review status: no classification provided. Collection method: in vitro. Allele origin: not applicable. Functional consequence: retained intron. Not counted in ClinVar's aggregate classification.

Dr. Peter K. Rogan Lab, Western University
No classification provided (evidence only). Condition: Lung cancer. Review status: no classification provided. Collection method: in vitro. Allele origin: not applicable. Functional consequence: retained intron. Not counted in ClinVar's aggregate classification.

Dr. Peter K. Rogan Lab, Western University
No classification provided (evidence only). Condition: Colon adenocarcinoma. Review status: no classification provided. Collection method: in vitro. Allele origin: not applicable. Functional consequence: retained intron. Not counted in ClinVar's aggregate classification.

Dr. Peter K. Rogan Lab, Western University
No classification provided (evidence only). Condition: Thyroid cancer, nonmedullary, 1. Review status: no classification provided. Collection method: in vitro. Allele origin: not applicable. Functional consequence: retained intron. Not counted in ClinVar's aggregate classification.

Dr. Peter K. Rogan Lab, Western University
No classification provided (evidence only). Condition: Sarcoma. Review status: no classification provided. Collection method: in vitro. Allele origin: not applicable. Functional consequence: retained intron. Not counted in ClinVar's aggregate classification.

Dr. Peter K. Rogan Lab, Western University
No classification provided (evidence only). Condition: Hepatocellular carcinoma. Review status: no classification provided. Collection method: in vitro. Allele origin: not applicable. Functional consequence: retained intron. Not counted in ClinVar's aggregate classification.

Dr. Peter K. Rogan Lab, Western University
No classification provided (evidence only). Condition: Hepatocellular carcinoma. Review status: no classification provided. Collection method: in vitro. Allele origin: not applicable. Functional consequence: retained intron. Not counted in ClinVar's aggregate classification.

Dr. Peter K. Rogan Lab, Western University
No classification provided (evidence only). Condition: Hepatocellular carcinoma. Review status: no classification provided. Collection method: in vitro. Allele origin: not applicable. Functional consequence: retained intron. Not counted in ClinVar's aggregate classification.

Dr. Peter K. Rogan Lab, Western University
No classification provided (evidence only). Condition: Hepatocellular carcinoma. Review status: no classification provided. Collection method: in vitro. Allele origin: not applicable. Functional consequence: retained intron. Not counted in ClinVar's aggregate classification.

Dr. Peter K. Rogan Lab, Western University
No classification provided (evidence only). Condition: Nonpapillary renal cell carcinoma. Review status: no classification provided. Collection method: in vitro. Allele origin: not applicable. Functional consequence: retained intron. Not counted in ClinVar's aggregate classification.

Dr. Peter K. Rogan Lab, Western University
No classification provided (evidence only). Condition: Ovarian serous cystadenocarcinoma. Review status: no classification provided. Collection method: in vitro. Allele origin: not applicable. Functional consequence: retained intron. Not counted in ClinVar's aggregate classification.

Dr. Peter K. Rogan Lab, Western University
No classification provided (evidence only). Condition: Ovarian serous cystadenocarcinoma. Review status: no classification provided. Collection method: in vitro. Allele origin: not applicable. Functional consequence: retained intron. Not counted in ClinVar's aggregate classification.

Dr. Peter K. Rogan Lab, Western University
No classification provided (evidence only). Condition: Ovarian serous cystadenocarcinoma. Review status: no classification provided. Collection method: in vitro. Allele origin: not applicable. Functional consequence: retained intron. Not counted in ClinVar's aggregate classification.

Dr. Peter K. Rogan Lab, Western University
No classification provided (evidence only). Condition: Ovarian serous cystadenocarcinoma. Review status: no classification provided. Collection method: in vitro. Allele origin: not applicable. Functional consequence: retained intron. Not counted in ClinVar's aggregate classification.

Dr. Peter K. Rogan Lab, Western University
No classification provided (evidence only). Condition: Gastric cancer. Review status: no classification provided. Collection method: in vitro. Allele origin: not applicable. Functional consequence: retained intron. Not counted in ClinVar's aggregate classification.

Dr. Peter K. Rogan Lab, Western University
No classification provided (evidence only). Condition: Uveal melanoma. Review status: no classification provided. Collection method: in vitro. Allele origin: not applicable. Functional consequence: retained intron. Not counted in ClinVar's aggregate classification.

Dr. Peter K. Rogan Lab, Western University
No classification provided (evidence only). Condition: Malignant tumor of esophagus. Review status: no classification provided. Collection method: in vitro. Allele origin: not applicable. Functional consequence: retained intron. Not counted in ClinVar's aggregate classification.

NM_007055.4(POLR3A):c.2938A>G (p.Ile980Val)

Gene: POLR3A (RNA polymerase III subunit A; minus strand). Cytogenetic location: 10q22.3.
Variant type: single nucleotide variant.
Coding change: c.2938A>G on transcript NM_007055.4 (MANE Select); coding-DNA position 2938, A replaced by G.
Protein change: p.Ile980Val; replaces isoleucine 980 with valine.
Molecular consequence: missense variant.
Genome position (GRCh38, 1-based): chr10:77,986,123, T>C on the plus strand (A>G on the coding strand, the complement: POLR3A is on the minus strand). VCF-style: chr10-77986123-T-C. GRCh37 (hg19) VCF-style: chr10-79745881-T-C.
Other names: p.Ile980Val; short protein forms I980V.
Identifiers: ClinVar variation 211930 (VCV000211930.70), dbSNP rs146253630, ClinGen allele CA209779.